The following is an entry in ClinVar:

NM_005097.4(LGI1):c.405C>G (p.Phe135Leu)

Gene: LGI1 (leucine rich glioma inactivated 1; plus strand). Cytogenetic location: 10q23.33.
Variant type: single nucleotide variant.
Coding change: c.405C>G on transcript NM_005097.4 (MANE Select); coding-DNA position 405, C replaced by G.
Protein change: p.Phe135Leu; replaces phenylalanine 135 with leucine.
Molecular consequence: missense variant. On other transcripts: intron variant (1).
Genome position (GRCh38, 1-based): chr10:93,777,591, C>G. VCF-style: chr10-93777591-C-G. GRCh37 (hg19) VCF-style: chr10-95537348-C-G.
Other names: c.405C>G, p.Phe135Leu (NM_001308275.2); c.288-12508C>G (NM_001308276.2); short protein forms F135L.
Identifiers: ClinVar variation 4795494 (VCV004795494.1).
Genomic context (GRCh38, chr10:93,777,591, plus strand): 5'-TATAACTTATTGCAGATTCATAGAAAACAACAACATCAAGTCAATTTCAAGACATACTTT[C>G]CGGGGACTAAAGTCATTAATTCACTTGTAAGTATGAATGTTGCTATTACTTTTTAAGCTT-3'
Protein context (NP_005088.1, residues 125-145): NNIKSISRHT[Phe135Leu]RGLKSLIHLS

ClinVar aggregate classification (germline): Uncertain significance (1 of 4 stars; one submission).

Submission:

GeneDx
Classification: Uncertain significance. Last evaluated: 2025-07-20. Review status: criteria provided, single submitter. Criteria: GeneDx Variant Classification Process June 2021. Collection method: clinical testing. Allele origin: germline. Affected: yes.
Comment: Not observed at significant frequency in large population cohorts (gnomAD); In silico analysis supports that this missense variant has a deleterious effect on protein structure/function; Has not been previously published as pathogenic or benign to our knowledge